The following is an entry in ClinVar:

NM_152443.3(RDH12):c.635G>A (p.Arg212His)

Genes: GPHN (gephyrin; plus strand), RDH12 (retinol dehydrogenase 12; plus strand). Cytogenetic location: 14q24.1.
Variant type: single nucleotide variant.
Coding change: c.635G>A on transcript NM_152443.3 (MANE Select); coding-DNA position 635, G replaced by A.
Protein change: p.Arg212His; replaces arginine 212 with histidine.
Molecular consequence: missense variant.
Genome position (GRCh38, 1-based): chr14:67,727,167, G>A. VCF-style: chr14-67727167-G-A. GRCh37 (hg19) VCF-style: chr14-68193884-G-A.
Other names: short protein forms R212H.
Identifiers: ClinVar variation 2142574 (VCV002142574.2), dbSNP rs768529116, ClinGen allele CA7238766.

ClinVar aggregate classification (germline): Uncertain significance. Review status: criteria provided, multiple submitters, no conflicts (2 of 4 stars). 2 submissions from 2 submitters: Uncertain significance (2). Last evaluated 2022-05-13.

Conditions:
Leber congenital amaurosis 13 (LCA13). Identifiers: MedGen C2675186, MONDO:0012990, OMIM 612712.

Allele frequency attached by ClinVar (database versions not stated): ExAC 0.00001; gnomAD 0.00001.
gnomAD v4.1: 10 of 1,613,396 alleles (0.00062%); highest among the groups gnomAD compares: South Asian, 0.0055%; no homozygotes.

Submissions (2):

Labcorp Genetics (formerly Invitae), Labcorp
Classification: Uncertain significance for Leber congenital amaurosis 13. Last evaluated: 2022-05-13. Review status: criteria provided, single submitter. Criteria: Invitae Variant Classification Sherloc (09022015). Collection method: clinical testing. Allele origin: germline.
Comment: This sequence change replaces arginine, which is basic and polar, with histidine, which is basic and polar, at codon 212 of the RDH12 protein (p.Arg212His). This variant is present in population databases (rs768529116, gnomAD 0.002%). This variant has not been reported in the literature in individuals affected with RDH12-related conditions. Algorithms developed to predict the effect of missense changes on protein structure and function are either unavailable or do not agree on the potential impact of this missense change (SIFT: "Deleterious"; PolyPhen-2: "Probably Damaging"; Align-GVGD: "Class C0"). In summary, the available evidence is currently insufficient to determine the role of this variant in disease. Therefore, it has been classified as a Variant of Uncertain Significance.

Blueprint Genetics
Classification: Uncertain significance. Last evaluated: 2022-01-29. Review status: criteria provided, single submitter. Criteria: ACMG Guidelines, 2015. Collection method: clinical testing. Allele origin: germline.